The following is an entry in ClinVar:

NM_031229.4(RBCK1):c.1337G>A (p.Arg446His)

Gene: RBCK1 (RANBP2-type and C3HC4-type zinc finger containing 1; plus strand). Cytogenetic location: 20p13.
Variant type: single nucleotide variant.
Coding change: c.1337G>A on transcript NM_031229.4 (MANE Select); coding-DNA position 1337, G replaced by A.
Protein change: p.Arg446His; replaces arginine 446 with histidine.
Molecular consequence: missense variant. On other transcripts: non-coding transcript variant (1).
Genome position (GRCh38, 1-based): chr20:428,979, G>A. VCF-style: chr20-428979-G-A. GRCh37 (hg19) VCF-style: chr20-409623-G-A.
Other names: c.827G>A, p.Arg276His (NM_001323956.2, NM_001323958.2); c.1211G>A, p.Arg404His (NM_006462.6); short protein forms R446H, R276H, R404H.
Identifiers: ClinVar variation 581737 (VCV000581737.37), dbSNP rs150032325, ClinGen allele CA9723354.

ClinVar aggregate classification (germline): Conflicting classifications of pathogenicity. Review status: criteria provided, conflicting classifications (1 of 4 stars). 3 submissions from 3 submitters: Uncertain significance (2); Likely benign (1). Last evaluated 2024-12-11.

Conditions:
Polyglucosan body myopathy type 1 (PGBM1). Also called: POLYGLUCOSAN BODY MYOPATHY WITHOUT IMMUNODEFICIENCY; Polyglucosan body myopathy 1 with or without immunodeficiency. Identifiers: Orphanet 329173, Orphanet 397937, MedGen C4014605, MONDO:0014389, OMIM 615895.

Allele frequency attached by ClinVar (database versions not stated): gnomAD 0.00009 and 0.00010; TOPMed 0.00011; gnomAD exomes 0.00014 and 0.00016; ExAC 0.00015; ESP Exome Variant Server 0.00015; 1000 Genomes Project 30x 0.00016; 1000 Genomes Project 0.00020.
gnomAD v4.1: 247 of 1,610,786 alleles (0.015%); highest among the groups gnomAD compares: East Asian, 0.06%; no homozygotes.

Submissions (3):

Revvity Omics, Revvity
Classification: Uncertain significance for Polyglucosan body myopathy type 1. Last evaluated: 2024-12-11. Review status: criteria provided, single submitter. Criteria: ACMG Guidelines, 2015. Collection method: clinical testing. Allele origin: germline.

Labcorp Genetics (formerly Invitae), Labcorp
Classification: Uncertain significance for Polyglucosan body myopathy type 1. Last evaluated: 2022-09-13. Review status: criteria provided, single submitter. Criteria: Invitae Variant Classification Sherloc (09022015). Collection method: clinical testing. Allele origin: germline.
Comment: This sequence change replaces arginine, which is basic and polar, with histidine, which is basic and polar, at codon 446 of the RBCK1 protein (p.Arg446His). This variant is present in population databases (rs150032325, gnomAD 0.1%). This variant has not been reported in the literature in individuals affected with RBCK1-related conditions. ClinVar contains an entry for this variant (Variation ID: 581737). Advanced modeling of protein sequence and biophysical properties (such as structural, functional, and spatial information, amino acid conservation, physicochemical variation, residue mobility, and thermodynamic stability) performed at Invitae indicates that this missense variant is not expected to disrupt RBCK1 protein function. In summary, the available evidence is currently insufficient to determine the role of this variant in disease. Therefore, it has been classified as a Variant of Uncertain Significance.

CeGaT Center for Human Genetics Tuebingen
Classification: Likely benign. Last evaluated: 2022-05-01. Review status: criteria provided, single submitter. Criteria: CeGaT Center For Human Genetics Tuebingen Variant Classification Criteria Version 2. Collection method: clinical testing. Allele origin: germline. Affected: yes. Observed: 1 variant allele.
Comment: RBCK1: BP4